The following is an entry in ClinVar:

ClinVar aggregate classification (germline): Uncertain significance. Review status: criteria provided, multiple submitters, no conflicts (2 of 4 stars). 2 submissions from 2 submitters: Uncertain significance (2). Last evaluated 2022-07-12.

Conditions:
C1Q deficiency. Identifiers: MedGen C3150902, MONDO:0013343.

Allele frequency attached by ClinVar (database versions not stated): gnomAD exomes 0.00004; ExAC 0.00011; TOPMed 0.00011; gnomAD 0.00013; ESP Exome Variant Server 0.00015; 1000 Genomes Project 30x 0.00016.

Submissions (2):

Center for Genomics, Ann and Robert H. Lurie Children's Hospital of Chicago
Classification: Uncertain significance for C1Q deficiency 1. Last evaluated: 2022-07-12. Review status: criteria provided, single submitter. Criteria: ACMG Guidelines, 2015. Collection method: clinical testing. Allele origin: germline.
Comment: This variant has not been reported in the literature but is present in the Genome Aggregation Database (Highest reported MAF 0.04% (17/41436). This variant is present in ClinVar (Variation ID:1444785). Evolutionary conservation and computational predictive tools for this variant are limited or unavailable. Although this variant occurs in the splice region, computational prediction tools do not suggest that it alters splicing. However, further studies are needed to understand its impact. Of note, this variant is a silent variant and does not change the amino acid, reducing the probability that this variant is disease causing. In summary, data on this variant is insufficient for disease classification. Therefore, the clinical significance of this variant is uncertain.

Labcorp Genetics (formerly Invitae), Labcorp
Classification: Uncertain significance. Last evaluated: 2022-03-23. Review status: criteria provided, single submitter. Criteria: Invitae Variant Classification Sherloc (09022015). Collection method: clinical testing. Allele origin: germline.
Comment: This sequence change affects codon 54 of the C1QA mRNA. It is a 'silent' change, meaning that it does not change the encoded amino acid sequence of the C1QA protein. It affects a nucleotide within the consensus splice site. This variant is present in population databases (rs375714569, gnomAD 0.07%). This variant has not been reported in the literature in individuals affected with C1QA-related conditions. Algorithms developed to predict the effect of sequence changes on RNA splicing suggest that this variant is not likely to affect RNA splicing. In summary, the available evidence is currently insufficient to determine the role of this variant in disease. Therefore, it has been classified as a Variant of Uncertain Significance.

NM_015991.4(C1QA):c.162G>A (p.Pro54=)

Gene: C1QA (complement C1q A chain; plus strand). Cytogenetic location: 1p36.12.
Variant type: single nucleotide variant.
Coding change: c.162G>A on transcript NM_015991.4 (MANE Select); coding-DNA position 162, G replaced by A.
Protein change: p.Pro54=; no amino-acid change (proline 54 retained).
Molecular consequence: synonymous variant.
Genome position (GRCh38, 1-based): chr1:22,637,778, G>A. VCF-style: chr1-22637778-G-A. GRCh37 (hg19) VCF-style: chr1-22964271-G-A.
Other names: c.162G>A, p.Pro54= (NM_001347465.2, NM_001347466.2).
Identifiers: ClinVar variation 1444785 (VCV001444785.3), dbSNP rs375714569, ClinGen allele CA677725.